The following is an entry in ClinVar:

ClinVar aggregate classification (germline): Pathogenic (1 of 4 stars; one submission).

Submission:

Labcorp Genetics (formerly Invitae), Labcorp
Classification: Pathogenic. Last evaluated: 2021-06-05. Review status: criteria provided, single submitter. Criteria: Invitae Variant Classification Sherloc (09022015). Collection method: clinical testing. Allele origin: germline.
Comment: For these reasons, this variant has been classified as Pathogenic. This variant has not been reported in the literature in individuals with CDH23-related conditions. This variant is a gross deletion of the genomic region encompassing exon(s) 16-17 of the CDH23 gene. This deletion is out-of-frame, and is expected to create a premature translational stop signal and result in an absent or disrupted protein product. Loss-of-function variants in CDH23 are known to be pathogenic (PMID: 11138009, 21940737).

Literature cited by the submitters: PubMed 11138009; PubMed 21940737.

NC_000010.10:g.(?_73437203)_(73439259_?)del

Gene: CDH23 (cadherin related 23; plus strand). Cytogenetic location: 10q22.1.
Variant type: Deletion.
Identifiers: ClinVar variation 1458340 (VCV001458340.6).